The following is an entry in ClinVar:

NM_004260.4(RECQL4):c.2486_2501del (p.Arg829fs)

Gene: RECQL4 (RecQ like helicase 4; minus strand). Cytogenetic location: 8q24.3.
Variant type: Deletion.
Coding change: c.2486_2501del on transcript NM_004260.4 (MANE Select); coding-DNA positions 2486 to 2501, 16 bases deleted (GCAGACATGTGCACGC).
Protein change: p.Arg829fs; shifts the reading frame from arginine 829.
Molecular consequence: frameshift variant.
Genome position (GRCh38, 1-based): chr8:144,513,101-144,513,116, GCGTGCACATGTCTGC deleted on the plus strand (GCAGACATGTGCACGC on the coding strand, the reverse complement: RECQL4 is on the minus strand); deleting any 16 consecutive bases within chr8:144,513,101-144,513,118 gives the same sequence; the c. name uses the placement nearest the transcript's 3' end. VCF-style (leftmost placement, unchanged base first): chr8-144513100-GGCGTGCACATGTCTGC-G. GRCh37 (hg19) VCF-style: chr8-145738483-GGCGTGCACATGTCTGC-G.
Other names: c.2486_2501del (NM_004260.3); c.2190_2205del16, p.Arg731Profs (NM_001413017.1); c.2286_2301del16, p.Arg763Profs (NM_001413018.1); c.2484_2499del16, p.Arg829Profs (NM_001413019.1, NM_001413036.1); c.2388_2403del16, p.Arg797Profs (NM_001413020.1); c.1413_1428del16, p.Arg472Profs (NM_001413021.1, NM_001413022.1, NM_001413023.1 and 5 more transcripts); c.2355_2370del16, p.Arg786Profs (NM_001413025.1); c.1347_1362del16, p.Arg450Profs (NM_001413027.1, NM_001413030.1, NM_001413032.1 and 1 more transcripts); and 7 more; short protein forms R829fs.
Identifiers: ClinVar variation 1920986 (VCV001920986.6), dbSNP rs1827563088, ClinGen allele CA1120282565.
Genomic context (GRCh38, chr8:144,513,100, plus strand): 5'-GGTGCAGGCTGGGAACACGCGCTGTACCAGCCTCTTCACAGCCAGGAAGTCCGTGCTGTC[GGCGTGCACATGTCTGC>G]GCAGCTCTCGCAGGTCTTCGCCCTGCAGGGCAACTTTCATGAGGGTGGGGTGGACCACTG-3'

ClinVar aggregate classification (germline): Pathogenic. Review status: criteria provided, multiple submitters, no conflicts (2 of 4 stars). 2 submissions from 2 submitters: Pathogenic (2). Last evaluated 2025-12-20.

Conditions:
Rothmund-Thomson syndrome type 2 (RTS2). Identifiers: Orphanet 221016, MedGen C5203410, MONDO:0016369, OMIM 268400.
Baller-Gerold syndrome (BGS). Also called: CRANIOSYNOSTOSIS WITH RADIAL DEFECTS. Identifiers: Orphanet 1225, MedGen C0265308, MONDO:0009039, OMIM 218600.

Submissions (2):

Labcorp Genetics (formerly Invitae), Labcorp
Classification: Pathogenic for Baller-Gerold syndrome. Last evaluated: 2025-12-20. Review status: criteria provided, single submitter. Criteria: Invitae Variant Classification Sherloc (09022015). Collection method: clinical testing. Allele origin: germline.
Comment: This sequence change creates a premature translational stop signal (p.Arg829Profs*9) in the RECQL4 gene. It is expected to result in an absent or disrupted protein product. Loss-of-function variants in RECQL4 are known to be pathogenic (PMID: 12734318, 12952869). This variant is not present in population databases (gnomAD no frequency). This variant has not been reported in the literature in individuals affected with RECQL4-related conditions. ClinVar contains an entry for this variant (Variation ID: 1920986). For these reasons, this variant has been classified as Pathogenic.

St. Jude Molecular Pathology, St. Jude Children's Research Hospital
Classification: Pathogenic for Rothmund-Thomson syndrome type 2. Last evaluated: 2025-06-17. Review status: criteria provided, single submitter. Criteria: St. Jude Assertion Criteria 2020. Collection method: clinical testing. Allele origin: germline.
Comment: The RECQL4 c.2486_2501del p.(Arg829ProfsTer9) change deletes 16 nucleotides to cause a frameshift and the creation of a premature stop codon. This change is predicted to cause protein truncation or absence of protein due to nonsense-mediated decay. This variant is absent in gnomAD v2.1.1. To our knowledge, this variant has not been reported in individuals with RECQL4-associated conditions. In summary, this variant meets criteria to be classified as pathogenic.

Literature cited by the submitters: PubMed 12734318 (cited by Labcorp Genetics (formerly Invitae), Labcorp); PubMed 12952869 (cited by Labcorp Genetics (formerly Invitae), Labcorp).